The following is an entry in ClinVar:

ClinVar aggregate classification (germline): Benign/Likely benign. Review status: criteria provided, multiple submitters, no conflicts (2 of 4 stars). 19 submissions from 14 submitters: Benign (11); Likely benign (5). 3 of the submissions do not count toward it. Last evaluated 2026-09-01.

Conditions:
TRPV4-related disorder. Also called: TRPV4-related disorders; TRPV4-related condition.
Inborn genetic diseases. Identifiers: MedGen C0950123, MeSH D030342.
Scapuloperoneal spinal muscular atrophy (SPSMA). Also called: Scapuloperoneal Form of Spinal Muscular Atrophy; AMYOTROPHY, NEUROGENIC SCAPULOPERONEAL, NEW ENGLAND TYPE; Scapuloperoneal spinal muscular atrophy, autosomal dominant; Scapuloperoneal Spinal Muscular Atrophy, TRPV4-Related. Identifiers: Orphanet 431255, MedGen C0751335, MONDO:0008408, OMIM 181405.
Spondylometaphyseal dysplasia, Kozlowski type (SMDK). Also called: Dysmorphism arthrogryposis skeletal maturation advanced; Jequier-Kozlowski syndrome; Skeletal dysplasia Jequier-Kozlowski type; SMD Kozlowski type; Spondylometaphyseal Dysplasia, TRPV4-Related (Kozlowski Type). Identifiers: Orphanet 93314, MedGen C0265280, MONDO:0008477, OMIM 184252.
Brachyrachia (short spine dysplasia) (BCYM3). Also called: Brachyolmia Type 3; BRACHYRACHIA; Autosomal dominant brachyolmia; Brachyolmia, TRPV4-Related. Identifiers: Orphanet 93304, MedGen C0432227, MONDO:0007232, OMIM 113500.
Charcot-Marie-Tooth disease axonal type 2C (HMSN2C). Also called: CHARCOT-MARIE-TOOTH DISEASE, AXONAL, AUTOSOMAL DOMINANT, TYPE 2C; Charcot-Marie-Tooth Neuropathy Type 2C; Charcot-Marie-Tooth Disease Type 2, TRPV4-Related (CMT2C). Identifiers: Orphanet 99937, MedGen C1853710, MONDO:0011633, OMIM 606071.
Metatropic dysplasia (MTD). Also called: Metatropic dysplasia, nonlethal dominant; METATROPIC DWARFISM; Metatropic Dysplasia, TRPV4-Related. Identifiers: Orphanet 2635, MedGen C0265281, MONDO:0007986, OMIM 156530.
Neuronopathy, distal hereditary motor, autosomal dominant 8. Also called: SPINAL MUSCULAR ATROPHY, CONGENITAL BENIGN, WITH CONTRACTURES; NEURONOPATHY, DISTAL HEREDITARY MOTOR, TYPE VIII; NEUROPATHY, DISTAL HEREDITARY MOTOR, TYPE VIII; Autosomal dominant congenital benign spinal muscular atrophy. Identifiers: Orphanet 1216, MedGen C1838492, MONDO:0010839, OMIM 600175.
Charcot-Marie-Tooth disease. Also called: Charcot-Marie-Tooth Neuropathy; Charcot-Marie-Tooth Hereditary Neuropathy. Identifiers: Orphanet 166, MedGen C0007959, MONDO:0015626.

Allele frequency attached by ClinVar (database versions not stated): 1000 Genomes Project 30x 0.00031; 1000 Genomes Project 0.00040; TOPMed 0.00148; gnomAD 0.00177 and 0.00184; gnomAD exomes 0.00237 and 0.00245; ESP Exome Variant Server 0.00269; ExAC 0.00310.
gnomAD v4.1: 3,820 of 1,613,470 alleles (0.24%); highest among the groups gnomAD compares: Non-Finnish European, 0.29%; 12 homozygotes.

Submissions (19):

CeGaT Center for Human Genetics Tuebingen
Classification: Likely benign. Last evaluated: 2026-09-01. Review status: criteria provided, single submitter. Criteria: CeGaT Center For Human Genetics Tuebingen Variant Classification Criteria Version 2. Collection method: clinical testing. Allele origin: germline. Affected: yes. Observed: 26 variant alleles.
Comment: TRPV4: BP4, BS1

PreventionGenetics, part of Exact Sciences
Classification: Benign for TRPV4-related condition. Last evaluated: 2026-05-12. Review status: criteria provided, single submitter. Criteria: ACMG Guidelines, 2015. Collection method: clinical testing. Allele origin: germline.
Comment: This variant is classified as benign based on ACMG/AMP sequence variant interpretation guidelines (Richards et al. 2015 PMID: 25741868, with internal and published modifications).

Labcorp Genetics (formerly Invitae), Labcorp
Classification: Benign for Charcot-Marie-Tooth disease axonal type 2C. Last evaluated: 2026-02-02. Review status: criteria provided, single submitter. Criteria: Invitae Variant Classification Sherloc (09022015). Collection method: clinical testing. Allele origin: germline.

Blueprint Genetics
Classification: Likely benign. Last evaluated: 2024-11-19. Review status: criteria provided, single submitter. Criteria: ACMG Guidelines, 2015. Collection method: clinical testing. Allele origin: germline.

ARUP Laboratories, Molecular Genetics and Genomics, ARUP Laboratories
Classification: Likely benign. Last evaluated: 2024-02-14. Review status: criteria provided, single submitter. Criteria: ARUP Molecular Germline Variant Investigation Process 2024. Collection method: clinical testing. Allele origin: germline.

Mayo Clinic Laboratories, Mayo Clinic
Classification: Benign. Last evaluated: 2021-07-29. Review status: criteria provided, single submitter. Criteria: ACMG Guidelines, 2015. Collection method: clinical testing. Allele origin: germline. Observed: 13 variant alleles.
Comment: BS1, BS2

Ambry Genetics
Classification: Likely benign for Inborn genetic diseases. Last evaluated: 2019-10-28. Review status: criteria provided, single submitter. Criteria: Ambry Variant Classification Scheme 2023. Collection method: clinical testing. Allele origin: germline.

GeneDx
Classification: Benign. Last evaluated: 2019-06-25. Review status: criteria provided, single submitter. Criteria: GeneDx Variant Classification Process June 2021. Collection method: clinical testing. Allele origin: germline. Affected: yes.
Comment: This variant is associated with the following publications: (PMID: 28898540)

Athena Diagnostics
Classification: Benign. Last evaluated: 2019-03-08. Review status: criteria provided, single submitter. Criteria: Athena Diagnostics Criteria. Collection method: clinical testing. Allele origin: germline.

Illumina Laboratory Services, Illumina
Classification: Benign for Brachyrachia (short spine dysplasia). Last evaluated: 2018-01-13. Review status: criteria provided, single submitter. Criteria: ICSL Variant Classification Criteria 13 December 2019. Collection method: clinical testing. Allele origin: germline.
Comment: This variant was observed in the ICSL laboratory as part of a predisposition screen in an ostensibly healthy population. It had not been previously curated by ICSL or reported in the Human Gene Mutation Database (HGMD: prior to June 1st, 2018), and was therefore a candidate for classification through an automated scoring system. Utilizing variant allele frequency, disease prevalence and penetrance estimates, and inheritance mode, an automated score was calculated to assess if this variant is too frequent to cause the disease. Based on the score and internal cut-off values, a variant classified as benign is not then subjected to further curation. The score for this variant resulted in a classification of benign for this disease.

Illumina Laboratory Services, Illumina
Classification: Benign for Scapuloperoneal spinal muscular atrophy. Last evaluated: 2018-01-13. Review status: criteria provided, single submitter. Criteria: ICSL Variant Classification Criteria 13 December 2019. Collection method: clinical testing. Allele origin: germline.
Comment: the same text as in the submission from Illumina Laboratory Services, Illumina above.

Illumina Laboratory Services, Illumina
Classification: Benign for Charcot-Marie-Tooth disease axonal type 2C. Last evaluated: 2018-01-13. Review status: criteria provided, single submitter. Criteria: ICSL Variant Classification Criteria 13 December 2019. Collection method: clinical testing. Allele origin: germline.
Comment: the same text as in the submission from Illumina Laboratory Services, Illumina above.

Illumina Laboratory Services, Illumina
Classification: Benign for Metatropic dysplasia. Last evaluated: 2018-01-13. Review status: criteria provided, single submitter. Criteria: ICSL Variant Classification Criteria 13 December 2019. Collection method: clinical testing. Allele origin: germline.
Comment: the same text as in the submission from Illumina Laboratory Services, Illumina above.

Illumina Laboratory Services, Illumina
Classification: Benign for Spondylometaphyseal dysplasia, Kozlowski type. Last evaluated: 2018-01-13. Review status: criteria provided, single submitter. Criteria: ICSL Variant Classification Criteria 13 December 2019. Collection method: clinical testing. Allele origin: germline.
Comment: the same text as in the submission from Illumina Laboratory Services, Illumina above.

Illumina Laboratory Services, Illumina
Classification: Benign for Neuronopathy, distal hereditary motor, autosomal dominant 8. Last evaluated: 2018-01-13. Review status: criteria provided, single submitter. Criteria: ICSL Variant Classification Criteria 13 December 2019. Collection method: clinical testing. Allele origin: germline.
Comment: the same text as in the submission from Illumina Laboratory Services, Illumina above.

Molecular Genetics Laboratory, London Health Sciences Centre
Classification: Likely benign for Charcot-Marie-Tooth disease. Review status: criteria provided, single submitter. Criteria: ACMG Guidelines, 2015. Collection method: clinical testing. Allele origin: germline. Affected: yes.

Clinical Genetics, Academic Medical Center
Classification: Benign. Review status: no assertion criteria provided. Collection method: clinical testing. Allele origin: germline. Affected: yes. Study: VKGL Data-share Consensus. Not counted in ClinVar's aggregate classification.

Genome Diagnostics Laboratory, University Medical Center Utrecht
Classification: Likely benign. Review status: no assertion criteria provided. Collection method: clinical testing. Allele origin: germline. Affected: yes. Study: VKGL Data-share Consensus. Not counted in ClinVar's aggregate classification.

Joint Genome Diagnostic Labs from Nijmegen and Maastricht, Radboudumc and MUMC+
Classification: Benign. Review status: no assertion criteria provided. Collection method: clinical testing. Allele origin: germline. Affected: yes. Study: VKGL Data-share Consensus. Not counted in ClinVar's aggregate classification.

Literature cited by the submitters: PubMed 28898540 (cited by Athena Diagnostics); PubMed 22851605 (cited by Athena Diagnostics).

NM_021625.5(TRPV4):c.2498A>G (p.Asn833Ser)

Gene: TRPV4 (transient receptor potential cation channel subfamily V member 4; minus strand). Cytogenetic location: 12q24.11.
Variant type: single nucleotide variant.
Coding change: c.2498A>G on transcript NM_021625.5 (MANE Select); coding-DNA position 2498, A replaced by G.
Protein change: p.Asn833Ser; replaces asparagine 833 with serine.
Molecular consequence: missense variant.
Genome position (GRCh38, 1-based): chr12:109,783,739, T>C on the plus strand (A>G on the coding strand, the complement: TRPV4 is on the minus strand). VCF-style: chr12-109783739-T-C. GRCh37 (hg19) VCF-style: chr12-110221544-T-C.
Other names: p.Asn833Ser; c.2357A>G, p.Asn786Ser (NM_001177428.2); c.2396A>G, p.Asn799Ser (NM_001177431.2); c.2177A>G, p.Asn726Ser (NM_001177433.2); c.2318A>G, p.Asn773Ser (NM_147204.3); short protein forms N833S, N786S, N773S, N799S, N726S.
Identifiers: ClinVar variation 215533 (VCV000215533.66), dbSNP rs116035946, ClinGen allele CA338578.
Genomic context (GRCh38, chr12:109,783,739, plus strand): 5'-CAGCGGGGGTTCCCCATGCTGTCCAGAGGCACCACCACCTCGTCCGGGTTCGAGTTCTTG[T>C]TCAGTTCCACCACGCGGGGTACCACCGAGGACCAGCGATCTGCACCGAGAGCACATCAGA-3'
Protein context (NP_067638.3, residues 823-843): SSVVPRVVEL[Asn833Ser]KNSNPDEVVV